The following is an entry in ClinVar:

ClinVar aggregate classification (germline): Uncertain significance (1 of 4 stars; one submission).

Conditions:
Hemolytic uremic syndrome, atypical, susceptibility to, 1. Also called: AHUS, SUSCEPTIBILITY TO, 1. Identifiers: Orphanet 2134, Orphanet 90038, MedGen C2749604, MONDO:0009335, OMIM 235400. Disease mechanism: Other.

Submission:

MVZ Medizinische Genetik Mainz
Classification: Uncertain significance for Hemolytic uremic syndrome, atypical, susceptibility to, 1. Last evaluated: 2025-12-10. Review status: criteria provided, single submitter. Criteria: UK Practice Guidelines For Variant Classification V4 01 2020. Collection method: clinical testing. Allele origin: germline. Inheritance: Autosomal dominant inheritance. Affected: yes. Observed: 1 variant allele.
Comment: ACMG Criteria: PM2_SUP,PP3,PP4

NM_000186.4(CFH):c.198C>T (p.Cys66=)

Gene: CFH (complement factor H; plus strand). Cytogenetic location: 1q31.3.
Variant type: single nucleotide variant.
Coding change: c.198C>T on transcript NM_000186.4 (MANE Select); coding-DNA position 198, C replaced by T.
Protein change: p.Cys66=; no amino-acid change (cysteine 66 retained).
Molecular consequence: synonymous variant.
Genome position (GRCh38, 1-based): chr1:196,673,117, C>T. VCF-style: chr1-196673117-C-T. GRCh37 (hg19) VCF-style: chr1-196642247-C-T.
Other names: c.198C>T, p.Cys66= (NM_001014975.3).
Identifiers: ClinVar variation 4540410 (VCV004540410.1).